The following is an entry in ClinVar:

NM_004168.4(SDHA):c.1968dup (p.Val657fs)

Gene: SDHA (succinate dehydrogenase complex flavoprotein subunit A; plus strand). Cytogenetic location: 5p15.33.
Variant type: Duplication.
Coding change: c.1968dup on transcript NM_004168.4 (MANE Select); coding-DNA position 1968, one base duplicated (C; older notation c.1968dupC).
Protein change: p.Val657fs; shifts the reading frame from valine 657.
Molecular consequence: frameshift variant.
Genome position (GRCh38, 1-based): chr5:256,393, C duplicated; the last of 2 consecutive C bases (chr5:256,392-256,393); duplicating either gives the same sequence. VCF-style (leftmost placement, unchanged base first): chr5-256391-A-AC. GRCh37 (hg19) VCF-style: chr5-256506-A-AC.
Other names: c.1824dup, p.Val609fs (NM_001294332.2); c.1725dup, p.Val576fs (NM_001330758.2); short protein forms V609fs, V657fs, V576fs.
Identifiers: ClinVar variation 4786774 (VCV004786774.1).
Genomic context (GRCh38, chr5:256,391, plus strand): 5'-AAGGTCACTCTGGAATATAGACCCGTGATCGACAAAACTTTGAACGAGGCTGACTGTGCC[A>AC]CCGTCCCGCCAGCCATTCGCTCCTACTGATGAGACAAGATGTGGTGATGACAGAATCAGC-3'

ClinVar aggregate classification (germline): Uncertain significance (1 of 4 stars; one submission).

Conditions:
Mitochondrial complex II deficiency, nuclear type 1. Also called: SUCCINATE CoQ REDUCTASE DEFICIENCY. Identifiers: Orphanet 3208, MedGen C5700310, MONDO:0100294, OMIM 252011.
Pheochromocytoma/paraganglioma syndrome 5. Also called: Paragangliomas 5; SDHA-Related Hereditary Paraganglioma-Pheochromocytoma Syndrome. Identifiers: Orphanet 29072, MedGen C3279992, MONDO:0013602, OMIM 614165.

Submission:

Labcorp Genetics (formerly Invitae), Labcorp
Classification: Uncertain significance for Pheochromocytoma/paraganglioma syndrome 5; Mitochondrial complex II deficiency, nuclear type 1. Last evaluated: 2025-11-27. Review status: criteria provided, single submitter. Criteria: Invitae Variant Classification Sherloc (09022015). Collection method: clinical testing. Allele origin: germline.
Comment: This sequence change is expected to alter the c-terminus of the SDHA protein (p.Val657Argfs*50). While this is not anticipated to result in nonsense mediated decay, it is expected to disrupt the last 8 amino acid(s) of the SDHA protein and extend the protein by 41 additional amino acid residues. This variant is not present in population databases (gnomAD no frequency). This variant has not been reported in the literature in individuals affected with SDHA-related conditions. Experimental studies and prediction algorithms are not available or were not evaluated, and the functional significance of this variant is currently unknown. In summary, the available evidence is currently insufficient to determine the role of this variant in disease. Therefore, it has been classified as a Variant of Uncertain Significance.